The following is an entry in ClinVar:

NM_006648.4(WNK2):c.6511C>G (p.Arg2171Gly)

Gene: WNK2 (WNK lysine deficient protein kinase 2; plus strand). Cytogenetic location: 9q22.31.
Variant type: single nucleotide variant.
Coding change: c.6511C>G on transcript NM_006648.4 (MANE Select); coding-DNA position 6511, C replaced by G.
Protein change: p.Arg2171Gly; replaces arginine 2171 with glycine.
Molecular consequence: missense variant.
Genome position (GRCh38, 1-based): chr9:93,308,579, C>G. VCF-style: chr9-93308579-C-G. GRCh37 (hg19) VCF-style: chr9-96070861-C-G.
Other names: c.6622C>G, p.Arg2208Gly (NM_001282394.3); short protein forms R2171G, R2208G.
Identifiers: ClinVar variation 3981703 (VCV003981703.1).

ClinVar aggregate classification (germline): Uncertain significance (1 of 4 stars; one submission).

Submission:

Ambry Genetics
Classification: Uncertain significance. Last evaluated: 2025-03-22. Review status: criteria provided, single submitter. Criteria: Ambry Variant Classification Scheme 2023. Collection method: clinical testing. Allele origin: germline.
Comment: The p.R2171G variant (also known as c.6511C>G), located in coding exon 27 of the WNK2 gene, results from a C to G substitution at nucleotide position 6511. The arginine at codon 2171 is replaced by glycine, an amino acid with dissimilar properties. This amino acid position is conserved. In addition, this alteration is predicted to be tolerated by in silico analysis. Based on the available evidence, the clinical significance of this variant remains unclear.